The following is an entry in ClinVar:

ClinVar aggregate classification (germline): Uncertain significance. Review status: criteria provided, multiple submitters, no conflicts (2 of 4 stars). 3 submissions from 3 submitters: Uncertain significance (3). Last evaluated 2025-10-26.

Conditions:
Primary ciliary dyskinesia. Also called: Ciliary dyskinesia. Identifiers: Orphanet 244, MedGen C0008780, MONDO:0016575, HP:0012265.

Allele frequency attached by ClinVar (database versions not stated): gnomAD exomes 0.00001; TOPMed 0.00001.
gnomAD v4.1: 7 of 1,179,372 alleles (0.00059%); highest among the groups gnomAD compares: South Asian, 0.0089%; no homozygotes.

Submissions (3):

Labcorp Genetics (formerly Invitae), Labcorp
Classification: Uncertain significance for Primary ciliary dyskinesia. Last evaluated: 2025-10-26. Review status: criteria provided, single submitter. Criteria: Invitae Variant Classification Sherloc (09022015). Collection method: clinical testing. Allele origin: germline.
Comment: This sequence change replaces isoleucine, which is neutral and non-polar, with valine, which is neutral and non-polar, at codon 748 of the RPGR protein (p.Ile748Val). This variant is not present in population databases (gnomAD no frequency). This variant has not been reported in the literature in individuals affected with RPGR-related conditions. ClinVar contains an entry for this variant (Variation ID: 1788292). An algorithm developed to predict the effect of missense changes on protein structure and function (PolyPhen-2) suggests that this variant is likely to be tolerated. In summary, the available evidence is currently insufficient to determine the role of this variant in disease. Therefore, it has been classified as a Variant of Uncertain Significance.

Mayo Clinic Laboratories, Mayo Clinic
Classification: Uncertain significance. Last evaluated: 2025-01-15. Review status: criteria provided, single submitter. Criteria: ACMG Guidelines, 2015. Collection method: clinical testing. Allele origin: germline. Observed: 1 variant allele.

Ambry Genetics
Classification: Uncertain significance for Primary ciliary dyskinesia. Last evaluated: 2022-06-30. Review status: criteria provided, single submitter. Criteria: Ambry Variant Classification Scheme 2023. Collection method: clinical testing. Allele origin: germline.
Comment: The p.I748V variant (also known as c.2242A>G), located in coding exon 19 of the RPGR gene, results from an A to G substitution at nucleotide position 2242. This variant impacts the first base pair of coding exon 19. The isoleucine at codon 748 is replaced by valine, an amino acid with highly similar properties. This amino acid position is not well conserved in available vertebrate species, and valine is the reference amino acid in other vertebrate species. In addition, this alteration is predicted to be tolerated by in silico analysis. Since supporting evidence is limited at this time, the clinical significance of this alteration remains unclear.

NM_000328.3(RPGR):c.2242A>G (p.Ile748Val)

Gene: RPGR (retinitis pigmentosa GTPase regulator; minus strand). Cytogenetic location: Xp11.4.
Variant type: single nucleotide variant.
Coding change: c.2242A>G on transcript NM_000328.3; coding-DNA position 2242, A replaced by G.
Protein change: p.Ile748Val; replaces isoleucine 748 with valine.
Molecular consequence: missense variant. On other transcripts: non-coding transcript variant (6).
Genome position (GRCh38, 1-based): chrX:38,269,832, T>C on the plus strand (A>G on the coding strand, the complement: RPGR is on the minus strand). VCF-style: chrX-38269832-T-C. GRCh37 (hg19) VCF-style: chrX-38129085-T-C.
Other names: p.Ile748Val; c.2239A>G, p.Ile747Val (NM_001367245.1); c.2056A>G, p.Ile686Val (NM_001367246.1); c.1909A>G, p.Ile637Val (NM_001367247.1); c.1939A>G, p.Ile647Val (NM_001367248.1); c.1906A>G, p.Ile636Val (NM_001367249.1, NM_001367250.1); c.1723A>G, p.Ile575Val (NM_001367251.1); short protein forms I686V, I748V, I637V, I575V, I636V, I647V, I747V.
Identifiers: ClinVar variation 1788292 (VCV001788292.4), dbSNP rs2066803160, ClinGen allele CA412722515.